The following is an entry in ClinVar:

ClinVar aggregate classification (germline): Uncertain significance (1 of 4 stars; one submission).

Conditions:
Joubert syndrome 21 (JBTS21). Identifiers: MedGen C3810212, MONDO:0014288, OMIM 615636.

Allele frequency attached by ClinVar (database versions not stated): ExAC 0.00001; TOPMed 0.00002; gnomAD 0.00003.
gnomAD v4.1: 61 of 1,610,938 alleles (0.0038%); highest among the groups gnomAD compares: Non-Finnish European, 0.0046%; no homozygotes.

Submission:

Labcorp Genetics (formerly Invitae), Labcorp
Classification: Uncertain significance for Joubert syndrome 21. Last evaluated: 2024-05-06. Review status: criteria provided, single submitter. Criteria: Invitae Variant Classification Sherloc (09022015). Collection method: clinical testing. Allele origin: germline.
Comment: This sequence change replaces glutamic acid, which is acidic and polar, with lysine, which is basic and polar, at codon 54 of the CSPP1 protein (p.Glu54Lys). This variant is present in population databases (rs770271054, gnomAD 0.003%). This variant has not been reported in the literature in individuals affected with CSPP1-related conditions. ClinVar contains an entry for this variant (Variation ID: 958307). Algorithms developed to predict the effect of missense changes on protein structure and function output the following: SIFT: "Not Available"; PolyPhen-2: "Benign"; Align-GVGD: "Not Available". The lysine amino acid residue is found in multiple mammalian species, which suggests that this missense change does not adversely affect protein function. In summary, the available evidence is currently insufficient to determine the role of this variant in disease. Therefore, it has been classified as a Variant of Uncertain Significance.

NM_001382391.1(CSPP1):c.52G>A (p.Glu18Lys)

Gene: CSPP1 (centrosome and spindle pole associated protein 1; plus strand). Cytogenetic location: 8q13.1.
Variant type: single nucleotide variant.
Coding change: c.52G>A on transcript NM_001382391.1 (MANE Select); coding-DNA position 52, G replaced by A.
Protein change: p.Glu18Lys; replaces glutamic acid 18 with lysine.
Molecular consequence: missense variant.
Genome position (GRCh38, 1-based): chr8:67,074,304, G>A. VCF-style: chr8-67074304-G-A. GRCh37 (hg19) VCF-style: chr8-67986539-G-A.
Other names: c.52G>A, p.Glu18Lys (NM_001363131.2, NM_001363132.2, NM_001363133.2); c.160G>A, p.Glu54Lys (NM_001364869.1, NM_001364870.1, NM_024790.7); short protein forms E18K, E54K.
Identifiers: ClinVar variation 958307 (VCV000958307.9), dbSNP rs770271054, ClinGen allele CA4770109.